The following is an entry in ClinVar:

NM_005045.4(RELN):c.4010G>C (p.Gly1337Ala)

Gene: RELN (reelin; minus strand). Cytogenetic location: 7q22.1.
Variant type: single nucleotide variant.
Coding change: c.4010G>C on transcript NM_005045.4 (MANE Select); coding-DNA position 4010, G replaced by C.
Protein change: p.Gly1337Ala; replaces glycine 1337 with alanine.
Molecular consequence: missense variant.
Genome position (GRCh38, 1-based): chr7:103,589,731, C>G on the plus strand (G>C on the coding strand, the complement: RELN is on the minus strand). VCF-style: chr7-103589731-C-G. GRCh37 (hg19) VCF-style: chr7-103230178-C-G.
Other names: c.4010G>C (NM_005045.3); c.4010G>C, p.Gly1337Ala (NM_173054.3); short protein forms G1337A.
Identifiers: ClinVar variation 1009537 (VCV001009537.43), dbSNP rs1289449043, ClinGen allele CA368756133.

ClinVar aggregate classification (germline): Uncertain significance. Review status: criteria provided, multiple submitters, no conflicts (2 of 4 stars). 3 submissions from 3 submitters: Uncertain significance (3). Last evaluated 2025-07-05.

Conditions:
Norman-Roberts syndrome (LIS2). Also called: Lissencephaly 2 (Norman-Roberts type). Identifiers: Orphanet 89844, MedGen C0796089, MONDO:0009760, OMIM 257320.
Familial temporal lobe epilepsy 7. Identifiers: Orphanet 101046, MedGen C4225327, MONDO:0014639, OMIM 616436.

Allele frequency attached by ClinVar (database versions not stated): gnomAD exomes 0.00001; TOPMed 0.00001.
gnomAD v4.1: 12 of 1,613,566 alleles (0.00074%); highest among the groups gnomAD compares: Non-Finnish European, 0.00085%; no homozygotes.

Submissions (3):

GeneDx
Classification: Uncertain significance. Last evaluated: 2025-07-05. Review status: criteria provided, single submitter. Criteria: GeneDx Variant Classification Process June 2021. Collection method: clinical testing. Allele origin: germline. Affected: yes.
Comment: Not observed at significant frequency in large population cohorts (gnomAD); In silico analysis suggests that this missense variant does not alter protein structure/function; Has not been previously published as pathogenic or benign to our knowledge

CeGaT Center for Human Genetics Tuebingen
Classification: Uncertain significance. Last evaluated: 2021-09-01. Review status: criteria provided, single submitter. Criteria: CeGaT Center For Human Genetics Tuebingen Variant Classification Criteria Version 2. Collection method: clinical testing. Allele origin: germline. Affected: yes. Observed: 1 variant allele.

Labcorp Genetics (formerly Invitae), Labcorp
Classification: Uncertain significance for Familial temporal lobe epilepsy 7; Norman-Roberts syndrome. Last evaluated: 2020-09-25. Review status: criteria provided, single submitter. Criteria: Invitae Variant Classification Sherloc (09022015). Collection method: clinical testing. Allele origin: germline.
Comment: In summary, the available evidence is currently insufficient to determine the role of this variant in disease. Therefore, it has been classified as a Variant of Uncertain Significance. Algorithms developed to predict the effect of missense changes on protein structure and function are either unavailable or do not agree on the potential impact of this missense change (SIFT: "Deleterious"; PolyPhen-2: "Possibly Damaging"; Align-GVGD: "Class C0"). This variant has not been reported in the literature in individuals with RELN-related conditions. This variant is not present in population databases (ExAC no frequency). This sequence change replaces glycine with alanine at codon 1337 of the RELN protein (p.Gly1337Ala). The glycine residue is highly conserved and there is a small physicochemical difference between glycine and alanine.